The following is an entry in ClinVar:

ClinVar aggregate classification (germline): Pathogenic (1 of 4 stars; one submission).

Submission:

Labcorp Genetics (formerly Invitae), Labcorp
Classification: Pathogenic. Last evaluated: 2024-01-11. Review status: criteria provided, single submitter. Criteria: Invitae Variant Classification Sherloc (09022015). Collection method: clinical testing. Allele origin: germline.
Comment: This sequence change creates a premature translational stop signal (p.Gly998Leufs*25) in the LAMA3 gene. It is expected to result in an absent or disrupted protein product. Loss-of-function variants in LAMA3 are known to be pathogenic (PMID: 10366601, 11810295, 12915477, 16473856, 17362460, 22434185, 23869449, 27827380, 28087116). This variant is not present in population databases (gnomAD no frequency). This premature translational stop signal has been observed in individual(s) with clinical features of LAMA3-related conditions (PMID: 36578049). For these reasons, this variant has been classified as Pathogenic.

Literature cited by the submitters: PubMed 10366601; PubMed 11810295; PubMed 12915477; PubMed 16473856; PubMed 17362460; PubMed 22434185; PubMed 23869449; PubMed 27827380; PubMed 28087116; PubMed 36578049.

NM_198129.4(LAMA3):c.7819_7820del (p.Gly2607fs)

Gene: LAMA3 (laminin subunit alpha 3; plus strand). Cytogenetic location: 18q11.2.
Variant type: Deletion.
Coding change: c.7819_7820del on transcript NM_198129.4 (MANE Select); coding-DNA positions 7819 to 7820, 2 bases deleted (GG; older notation c.7819_7820delGG).
Protein change: p.Gly2607fs; shifts the reading frame from glycine 2607.
Molecular consequence: frameshift variant.
Genome position (GRCh38, 1-based): chr18:23,916,591-23,916,592, GG deleted; deleting any 2 consecutive bases within chr18:23,916,590-23,916,592 gives the same sequence; the c. name uses the placement nearest the transcript's 3' end. VCF-style (leftmost placement, unchanged base first): chr18-23916589-CGG-C. GRCh37 (hg19) VCF-style: chr18-21496553-CGG-C.
Other names: c.2992_2993del, p.Gly998fs (NM_000227.6); c.7651_7652del, p.Gly2551fs (NM_001127717.4); c.2824_2825del, p.Gly942fs (NM_001127718.4); short protein forms G2607fs, G998fs, G2551fs, G942fs.
Identifiers: ClinVar variation 2736714 (VCV002736714.3), dbSNP rs1356353167, ClinGen allele CA777729972.